The following is an entry in ClinVar:

ClinVar aggregate classification (germline): Uncertain significance. Review status: criteria provided, multiple submitters, no conflicts (2 of 4 stars). 2 submissions from 2 submitters: Uncertain significance (2). Last evaluated 2025-09-18.

Conditions:
Inborn genetic diseases. Identifiers: MedGen C0950123, MeSH D030342.

Allele frequency attached by ClinVar (database versions not stated): TOPMed below 0.00001; gnomAD 0.00001.
gnomAD v4.1: 25 of 1,572,566 alleles (0.0016%); highest among the groups gnomAD compares: Non-Finnish European, 0.0021%; no homozygotes.

Submissions (2):

Ambry Genetics
Classification: Uncertain significance for Inborn genetic diseases. Last evaluated: 2025-09-18. Review status: criteria provided, single submitter. Criteria: Ambry Variant Classification Scheme 2023. Collection method: clinical testing. Allele origin: germline.

Labcorp Genetics (formerly Invitae), Labcorp
Classification: Uncertain significance. Last evaluated: 2022-02-04. Review status: criteria provided, single submitter. Criteria: Invitae Variant Classification Sherloc (09022015). Collection method: clinical testing. Allele origin: germline.
Comment: This sequence change replaces proline, which is neutral and non-polar, with alanine, which is neutral and non-polar, at codon 2114 of the SPEG protein (p.Pro2114Ala). This variant is present in population databases (no rsID available, gnomAD 0.001%). This variant has not been reported in the literature in individuals affected with SPEG-related conditions. Algorithms developed to predict the effect of missense changes on protein structure and function (SIFT, PolyPhen-2, Align-GVGD) all suggest that this variant is likely to be tolerated. In summary, the available evidence is currently insufficient to determine the role of this variant in disease. Therefore, it has been classified as a Variant of Uncertain Significance.

NM_005876.5(SPEG):c.6340C>G (p.Pro2114Ala)

Genes: ASIC4-AS1 (ASIC4 antisense RNA 1; minus strand), SPEG (striated muscle enriched protein kinase; plus strand). Cytogenetic location: 2q35.
Variant type: single nucleotide variant.
Coding change: c.6340C>G on transcript NM_005876.5 (MANE Select); coding-DNA position 6340, C replaced by G.
Protein change: p.Pro2114Ala; replaces proline 2114 with alanine.
Molecular consequence: missense variant.
Genome position (GRCh38, 1-based): chr2:219,483,803, C>G. VCF-style: chr2-219483803-C-G. GRCh37 (hg19) VCF-style: chr2-220348525-C-G.
Other names: c.6340C>G (NM_005876.4); short protein forms P2114A.
Identifiers: ClinVar variation 2417591 (VCV002417591.4), dbSNP rs1426421637, ClinGen allele CA350697519.